The following is an entry in ClinVar:

ClinVar aggregate classification (germline): Pathogenic (1 of 4 stars; one submission).

Conditions:
Joubert syndrome. Also called: CEREBELLOPARENCHYMAL DISORDER IV; JOUBERT-BOLTSHAUSER SYNDROME; Familial aplasia of the vermis. Identifiers: Orphanet 475, MedGen C5979921, MONDO:0018772.

Allele frequency attached by ClinVar (database versions not stated): gnomAD exomes below 0.00001 and 0.00002; ExAC 0.00002.

Submission:

Labcorp Genetics (formerly Invitae), Labcorp
Classification: Pathogenic for Joubert syndrome. Last evaluated: 2025-07-28. Review status: criteria provided, single submitter. Criteria: Invitae Variant Classification Sherloc (09022015). Collection method: clinical testing. Allele origin: germline.
Comment: This sequence change creates a premature translational stop signal (p.Ser93Alafs*9) in the AHI1 gene. It is expected to result in an absent or disrupted protein product. Loss-of-function variants in AHI1 are known to be pathogenic (PMID: 15322546, 16453322, 28442542, 29186038). This variant is present in population databases (rs765985758, gnomAD 0.009%). This variant has not been reported in the literature in individuals affected with AHI1-related conditions. ClinVar contains an entry for this variant (Variation ID: 1452177). For these reasons, this variant has been classified as Pathogenic.

Literature cited by the submitters: PubMed 15322546; PubMed 16453322; PubMed 28442542; PubMed 29186038.

NM_001134831.2(AHI1):c.276del (p.Ser93fs)

Gene: AHI1 (Abelson helper integration site 1; minus strand). Cytogenetic location: 6q23.3.
Variant type: Deletion.
Coding change: c.276del on transcript NM_001134831.2 (MANE Select); coding-DNA position 276, one base deleted (G; older notation c.276delG).
Protein change: p.Ser93fs; shifts the reading frame from serine 93.
Molecular consequence: frameshift variant.
Genome position (GRCh38, 1-based): chr6:135,466,287, C deleted on the plus strand (G on the coding strand, the reverse complement: AHI1 is on the minus strand). VCF-style (leftmost placement, unchanged base first): chr6-135466286-TC-T. GRCh37 (hg19) VCF-style: chr6-135787424-TC-T.
Other names: c.276del, p.Ser93fs (NM_001134830.2, NM_001134832.2, NM_001350503.2 and 2 more transcripts); short protein forms S93fs.
Identifiers: ClinVar variation 1452177 (VCV001452177.6), dbSNP rs765985758, ClinGen allele CA4012861.
Genomic context (GRCh38, chr6:135,466,286, plus strand): 5'-CATTAGGATTTTCAGTTGCTAACTGTGTGTTCCTCAATTTGTTTTTAGTGACTCTCGTGC[TC>T]TTCTTCAGGTTGTTAGTGTTAGCAGCACTTACATCATCACTTGTAGTTTCTTTAATATGG-3'